The following is an entry in ClinVar:

NM_003477.2(PDHX):c.-88C>A

Gene: PDHX (pyruvate dehydrogenase complex component X; plus strand). Cytogenetic location: 11p13.
Variant type: single nucleotide variant.
Coding change: c.-88C>A on transcript NM_003477.2; 88 bases upstream of the start codon, C replaced by A.
Molecular consequence: intron variant (on NM_001135024.2).
Genome position (GRCh38, 1-based): chr11:34,916,568, C>A. VCF-style: chr11-34916568-C-A. GRCh37 (hg19) VCF-style: chr11-34938115-C-A.
Other names: c.-21+82C>A (NM_001135024.2).
Identifiers: ClinVar variation 304459 (VCV000304459.11), dbSNP rs2956110, ClinGen allele CA10634710.

ClinVar aggregate classification (germline): Benign. Review status: criteria provided, multiple submitters, no conflicts (2 of 4 stars). 3 submissions from 3 submitters: Benign (3). Last evaluated 2018-06-23.

Conditions:
Pyruvate dehydrogenase E3-binding protein deficiency (PDHXD). Also called: E3-Binding Protein (Component X) Deficiency; LACTIC ACIDEMIA DUE TO DEFECT IN LIPOYL-CONTAINING COMPONENT X OF THE PYRUVATE DEHYDROGENASE COMPLEX; Lacticacidemia due to PDX1 deficiency; PYRUVATE HYDROGENASE E3-BINDING PROTEIN DEFICIENCY. Identifiers: Orphanet 255182, MedGen C1855553, MONDO:0009503, OMIM 245349.

Allele frequency attached by ClinVar (database versions not stated): gnomAD 0.59089 and 0.59403; 1000 Genomes Project 30x 0.56402; 1000 Genomes Project 0.57188; TOPMed 0.58253; gnomAD exomes 0.67582.
gnomAD v4.1: 1,042,429 of 1,561,500 alleles (67%); highest among the groups gnomAD compares: East Asian, 73%; 351,851 homozygotes.

Submissions (3):

GeneDx
Classification: Benign. Last evaluated: 2018-06-23. Review status: criteria provided, single submitter. Criteria: GeneDx Variant Classification Process June 2021. Collection method: clinical testing. Allele origin: germline. Affected: yes.

Illumina Laboratory Services, Illumina
Classification: Benign for Pyruvate dehydrogenase E3-binding protein deficiency. Last evaluated: 2018-01-12. Review status: criteria provided, single submitter. Criteria: ICSL Variant Classification Criteria 13 December 2019. Collection method: clinical testing. Allele origin: germline.
Comment: This variant was observed in the ICSL laboratory as part of a predisposition screen in an ostensibly healthy population. It had not been previously curated by ICSL or reported in the Human Gene Mutation Database (HGMD: prior to June 1st, 2018), and was therefore a candidate for classification through an automated scoring system. Utilizing variant allele frequency, disease prevalence and penetrance estimates, and inheritance mode, an automated score was calculated to assess if this variant is too frequent to cause the disease. Based on the score and internal cut-off values, a variant classified as benign is not then subjected to further curation. The score for this variant resulted in a classification of benign for this disease.

Breakthrough Genomics
Classification: Benign. Review status: criteria provided, single submitter. Criteria: ACMG Guidelines, 2015. Collection method: not provided. Allele origin: germline. Inheritance: Autosomal recessive inheritance. Affected: yes.